The following is an entry in ClinVar:

ClinVar aggregate classification (germline): Uncertain significance. Review status: criteria provided, multiple submitters, no conflicts (2 of 4 stars). 4 submissions from 4 submitters: Uncertain significance (4). Last evaluated 2023-03-21.

Conditions:
Inborn genetic diseases. Identifiers: MedGen C0950123, MeSH D030342.
Charcot-Marie-Tooth disease type 4. Also called: Charcot-Marie-Tooth, Type 4; Charcot-Marie-Tooth disease, type IV. Identifiers: Orphanet 64749, MedGen C4082197, MONDO:0018995.

Allele frequency attached by ClinVar (database versions not stated): gnomAD 0.00001; gnomAD exomes 0.00002; TOPMed 0.00002.

Submissions (4):

Blueprint Genetics
Classification: Uncertain significance. Last evaluated: 2023-03-21. Review status: criteria provided, single submitter. Criteria: ACMG Guidelines, 2015. Collection method: clinical testing. Allele origin: germline.

Ambry Genetics
Classification: Uncertain significance for Inborn genetic diseases. Last evaluated: 2022-08-09. Review status: criteria provided, single submitter. Criteria: Ambry Variant Classification Scheme 2023. Collection method: clinical testing. Allele origin: germline.
Comment: The p.R459W variant (also known as c.1375C>T), located in coding exon 12 of the FIG4 gene, results from a C to T substitution at nucleotide position 1375. The arginine at codon 459 is replaced by tryptophan, an amino acid with dissimilar properties. This amino acid position is highly conserved in available vertebrate species. In addition, the in silico prediction for this alteration is inconclusive. Since supporting evidence is limited at this time, the clinical significance of this alteration remains unclear.

Labcorp Genetics (formerly Invitae), Labcorp
Classification: Uncertain significance for Charcot-Marie-Tooth disease type 4. Last evaluated: 2022-06-30. Review status: criteria provided, single submitter. Criteria: Invitae Variant Classification Sherloc (09022015). Collection method: clinical testing. Allele origin: germline.
Comment: This sequence change replaces arginine, which is basic and polar, with tryptophan, which is neutral and slightly polar, at codon 459 of the FIG4 protein (p.Arg459Trp). This variant is not present in population databases (gnomAD no frequency). This variant has not been reported in the literature in individuals affected with FIG4-related conditions. ClinVar contains an entry for this variant (Variation ID: 643668). Algorithms developed to predict the effect of missense changes on protein structure and function are either unavailable or do not agree on the potential impact of this missense change (SIFT: "Deleterious"; PolyPhen-2: "Benign"; Align-GVGD: "Class C0"). In summary, the available evidence is currently insufficient to determine the role of this variant in disease. Therefore, it has been classified as a Variant of Uncertain Significance.

GeneDx
Classification: Uncertain significance. Last evaluated: 2019-11-06. Review status: criteria provided, single submitter. Criteria: GeneDx Variant Classification Process June 2021. Collection method: clinical testing. Allele origin: germline. Affected: yes.
Comment: Not observed in large population cohorts (Lek et al., 2016); In silico analysis, which includes protein predictors and evolutionary conservation, supports that this variant does not alter protein structure/function; Has not been previously published as pathogenic or benign to our knowledge

NM_014845.6(FIG4):c.1375C>T (p.Arg459Trp)

Gene: FIG4 (FIG4 phosphoinositide 5-phosphatase; plus strand). Cytogenetic location: 6q21.
Variant type: single nucleotide variant.
Coding change: c.1375C>T on transcript NM_014845.6 (MANE Select); coding-DNA position 1375, C replaced by T.
Protein change: p.Arg459Trp; replaces arginine 459 with tryptophan.
Molecular consequence: missense variant.
Genome position (GRCh38, 1-based): chr6:109,762,194, C>T. VCF-style: chr6-109762194-C-T. GRCh37 (hg19) VCF-style: chr6-110083397-C-T.
Other names: short protein forms R459W.
Identifiers: ClinVar variation 643668 (VCV000643668.13), dbSNP rs1220742669, ClinGen allele CA365226367.